The following is an entry in ClinVar:

ClinVar aggregate classification (germline): Conflicting classifications of pathogenicity. Review status: criteria provided, conflicting classifications (1 of 4 stars). 3 submissions from 3 submitters: Likely pathogenic (1); Uncertain significance (1). 1 of the submissions does not count toward it. Last evaluated 2025-01-27.

Conditions:
ABCB11-related disorder. Also called: ABCB11-related condition.
Progressive familial intrahepatic cholestasis type 2. Identifiers: Orphanet 79304, MedGen C3489789, MONDO:0011156, OMIM 601847.

Allele frequency attached by ClinVar (database versions not stated): TOPMed 0.00002.
gnomAD v4.1: 4 of 1,611,910 alleles (0.00025%); highest among the groups gnomAD compares: East Asian, 0.0089%; no homozygotes.

Submissions (3):

Broad Center for Mendelian Genomics, Broad Institute of MIT and Harvard
Classification: Uncertain significance for Progressive familial intrahepatic cholestasis type 2. Last evaluated: 2025-01-27. Review status: criteria provided, single submitter. Criteria: ACMG Guidelines, 2015. Collection method: curation. Allele origin: germline. Inheritance: Autosomal recessive inheritance.
Comment: The p.Arg470Leu variant in ABCB11 has not been previously reported in the literature in individuals with BSEP deficiency, and has been identified in 0.009% (4/44818) of East Asian chromosomes by the Genome Aggregation Database (gnomAD; dbSNP rs1463057954). Although this variant has been seen in the general population in a heterozygous state, its frequency is low enough to be consistent with a recessive carrier frequency. This variant has also been reported in ClinVar (Variation ID: 2757826) and has been interpreted as likely pathogenic by Invitae. Computational prediction tools and conservation analyses suggest that this variant may impact the protein, though this information is not predictive enough to determine pathogenicity. One additional pathogenic variant, resulting in a different amino acid change at the same position, p.Arg470Gln, has been reported in association with disease in the literature/ClinVar, supporting that a change at this position may not be tolerated (Variation ID: 956883). In summary, the clinical significance of the p.Arg470Leu variant is uncertain. ACMG/AMP Criteria applied: PM5, PP3_moderate, PM2_supporting (Richards 2015).

Labcorp Genetics (formerly Invitae), Labcorp
Classification: Likely pathogenic. Last evaluated: 2023-10-12. Review status: criteria provided, single submitter. Criteria: Invitae Variant Classification Sherloc (09022015). Collection method: clinical testing. Allele origin: germline.
Comment: This sequence change replaces arginine, which is basic and polar, with leucine, which is neutral and non-polar, at codon 470 of the ABCB11 protein (p.Arg470Leu). This variant is present in population databases (no rsID available, gnomAD 0.02%). This variant has not been reported in the literature in individuals affected with ABCB11-related conditions. Advanced modeling of protein sequence and biophysical properties (such as structural, functional, and spatial information, amino acid conservation, physicochemical variation, residue mobility, and thermodynamic stability) performed at Invitae indicates that this missense variant is expected to disrupt ABCB11 protein function. This variant disrupts the p.Arg470 amino acid residue in ABCB11. Other variant(s) that disrupt this residue have been determined to be pathogenic (PMID: 18395098, 19101985, 26678486, 27050426). This suggests that this residue is clinically significant, and that variants that disrupt this residue are likely to be disease-causing. In summary, the currently available evidence indicates that the variant is pathogenic, but additional data are needed to prove that conclusively. Therefore, this variant has been classified as Likely Pathogenic.

PreventionGenetics, part of Exact Sciences
Classification: Uncertain significance for ABCB11-related condition. Last evaluated: 2024-05-24. Review status: no assertion criteria provided. Collection method: clinical testing. Allele origin: germline. Not counted in ClinVar's aggregate classification.
Comment: The ABCB11 c.1409G>T variant is predicted to result in the amino acid substitution p.Arg470Leu. To our knowledge, this variant has not been reported in the literature. Another variant affecting the same nucleotide and amino acid (c.1409G>A; p.Arg470Gln) has been reported in the homozygous and compound heterozygous state with another ABCB11 variant in multiple unrelated individuals with familial hepatic cholestasis (Strautnieks et al. 2008. PubMed ID: 18395098; Giovannoni et al. 2015. PubMed ID: 26678486; Hertel et al. 2021. PubMed ID: 34016879, Wang et al. 2016. PubMed ID: 27050426; Nayagam et al. 2022. PubMed ID: 35894240). This variant is reported in 0.017% of alleles in individuals of East Asian descent in gnomAD. At this time, the clinical significance of this variant is uncertain due to the absence of conclusive functional and genetic evidence.

Literature cited by the submitters: PubMed 18395098 (cited by Labcorp Genetics (formerly Invitae), Labcorp); PubMed 19101985 (cited by Labcorp Genetics (formerly Invitae), Labcorp); PubMed 26678486 (cited by Labcorp Genetics (formerly Invitae), Labcorp); PubMed 27050426 (cited by Labcorp Genetics (formerly Invitae), Labcorp).

NM_003742.4(ABCB11):c.1409G>T (p.Arg470Leu)

Gene: ABCB11 (ATP binding cassette subfamily B member 11; minus strand). Cytogenetic location: 2q31.1.
Variant type: single nucleotide variant.
Coding change: c.1409G>T on transcript NM_003742.4 (MANE Select); coding-DNA position 1409, G replaced by T.
Protein change: p.Arg470Leu; replaces arginine 470 with leucine.
Molecular consequence: missense variant.
Genome position (GRCh38, 1-based): chr2:168,973,740, C>A on the plus strand (G>T on the coding strand, the complement: ABCB11 is on the minus strand). VCF-style: chr2-168973740-C-A. GRCh37 (hg19) VCF-style: chr2-169830250-C-A.
Other names: NM_003742.4(ABCB11):c.1409G>T; p.Arg470Leu; c.1409G>T (NM_003742.2); short protein forms R470L.
Identifiers: ClinVar variation 2757826 (VCV002757826.5), dbSNP rs1463057954, ClinGen allele CA349117048.